The following is an entry in ClinVar:

NM_000548.5(TSC2):c.3269C>G (p.Ser1090Cys)

Gene: TSC2 (TSC complex subunit 2; plus strand). Cytogenetic location: 16p13.3.
Variant type: single nucleotide variant.
Coding change: c.3269C>G on transcript NM_000548.5 (MANE Select); coding-DNA position 3269, C replaced by G.
Protein change: p.Ser1090Cys; replaces serine 1090 with cysteine.
Molecular consequence: missense variant.
Genome position (GRCh38, 1-based): chr16:2,079,413, C>G. VCF-style: chr16-2079413-C-G. GRCh37 (hg19) VCF-style: chr16-2129414-C-G.
Other names: c.3137C>G, p.Ser1046Cys (NM_001077183.3, NM_001370404.1); c.3269C>G, p.Ser1090Cys (NM_001114382.3); c.3029C>G, p.Ser1010Cys (NM_001318827.2); c.2993C>G, p.Ser998Cys (NM_001318829.2); c.2537C>G, p.Ser846Cys (NM_001318831.2); c.3170C>G, p.Ser1057Cys (NM_001318832.2); c.3140C>G, p.Ser1047Cys (NM_001363528.2, NM_001370405.1, NM_021055.3); short protein forms S1010C, S1046C, S1047C, S1057C, S1090C, S846C, S998C.
Identifiers: ClinVar variation 1021483 (VCV001021483.8), dbSNP rs1596384471, ClinGen allele CA394286246.
Genomic context (GRCh38, chr16:2,079,413, plus strand): 5'-CGACAAGCGTGGGAACCGGGACCCGGTCGTTACTAGGCCTGGACTCGGGGGAGCTGCAGT[C>G]CGGCCCGGAGTCGAGGTGACTGCACCTTCCTTTCCTCCGCGCCTGCCAGCCTCGACACCG-3'
Protein context (NP_000539.2, residues 1080-1100): LLGLDSGELQ[Ser1090Cys]GPESSSSPGV

ClinVar aggregate classification (germline): Uncertain significance (1 of 4 stars; one submission).

Conditions:
Tuberous sclerosis 2 (TSC2). Identifiers: Orphanet 805, MedGen C1860707, MONDO:0013199, OMIM 613254.

Submission:

Labcorp Genetics (formerly Invitae), Labcorp
Classification: Uncertain significance for Tuberous sclerosis 2. Last evaluated: 2020-03-06. Review status: criteria provided, single submitter. Criteria: Invitae Variant Classification Sherloc (09022015). Collection method: clinical testing. Allele origin: germline.
Comment: Algorithms developed to predict the effect of missense changes on protein structure and function (SIFT, PolyPhen-2, Align-GVGD) all suggest that this variant is likely to be tolerated, but these predictions have not been confirmed by published functional studies and their clinical significance is uncertain. In summary, the available evidence is currently insufficient to determine the role of this variant in disease. Therefore, it has been classified as a Variant of Uncertain Significance. This variant has not been reported in the literature in individuals with TSC2-related conditions. This variant is not present in population databases (ExAC no frequency). This sequence change replaces serine with cysteine at codon 1090 of the TSC2 protein (p.Ser1090Cys). The serine residue is weakly conserved and there is a moderate physicochemical difference between serine and cysteine.